The following is an entry in ClinVar:

NM_002439.5(MSH3):c.608T>C (p.Phe203Ser)

Gene: MSH3 (mutS homolog 3; plus strand). Cytogenetic location: 5q14.1.
Variant type: single nucleotide variant.
Coding change: c.608T>C on transcript NM_002439.5 (MANE Select); coding-DNA position 608, T replaced by C.
Protein change: p.Phe203Ser; replaces phenylalanine 203 with serine.
Molecular consequence: missense variant.
Genome position (GRCh38, 1-based): chr5:80,670,125, T>C. VCF-style: chr5-80670125-T-C. GRCh37 (hg19) VCF-style: chr5-79965944-T-C.
Other names: c.608T>C (NM_002439.3); short protein forms F203S.
Identifiers: ClinVar variation 836142 (VCV000836142.10), dbSNP rs752398971, ClinGen allele CA3327656.

ClinVar aggregate classification (germline): Uncertain significance. Review status: criteria provided, multiple submitters, no conflicts (2 of 4 stars). 3 submissions from 3 submitters: Uncertain significance (3). Last evaluated 2026-06-09.

Conditions:
Hereditary cancer-predisposing syndrome. Also called: Tumor predisposition; Neoplastic Syndromes, Hereditary; Hereditary neoplastic syndrome; Hereditary Cancer Syndrome. Identifiers: Orphanet 140162, MedGen C0027672, MeSH D009386, MONDO:0015356.
Endometrial carcinoma. Also called: Endometrial carcinoma, somatic. Identifiers: MedGen C0476089, MONDO:0002447, OMIM 608089, HP:0012114.

Allele frequency attached by ClinVar (database versions not stated): gnomAD exomes below 0.00001; TOPMed below 0.00001; ExAC 0.00001.
gnomAD v4.1: 2 of 1,614,144 alleles (0.00012%); highest among the groups gnomAD compares: East Asian, 0.0045%; no homozygotes.

Submissions (3):

Ambry Genetics
Classification: Uncertain significance for Hereditary cancer-predisposing syndrome. Last evaluated: 2026-06-09. Review status: criteria provided, single submitter. Criteria: Ambry Variant Classification Scheme 2023. Collection method: clinical testing. Allele origin: germline.
Comment: The p.F203S variant (also known as c.608T>C), located in coding exon 4 of the MSH3 gene, results from a T to C substitution at nucleotide position 608. The phenylalanine at codon 203 is replaced by serine, an amino acid with highly dissimilar properties. This amino acid position is not well conserved in available vertebrate species. In addition, this alteration is predicted to be tolerated by in silico analysis. Based on the available evidence, the clinical significance of this variant remains unclear.

Labcorp Genetics (formerly Invitae), Labcorp
Classification: Uncertain significance. Last evaluated: 2025-04-13. Review status: criteria provided, single submitter. Criteria: Invitae Variant Classification Sherloc (09022015). Collection method: clinical testing. Allele origin: germline.
Comment: This sequence change replaces phenylalanine, which is neutral and non-polar, with serine, which is neutral and polar, at codon 203 of the MSH3 protein (p.Phe203Ser). This variant is present in population databases (rs752398971, gnomAD 0.006%). This variant has not been reported in the literature in individuals affected with MSH3-related conditions. ClinVar contains an entry for this variant (Variation ID: 836142). An algorithm developed to predict the effect of missense changes on protein structure and function outputs the following: PolyPhen-2: "Benign". The serine amino acid residue is found in multiple mammalian species, which suggests that this missense change does not adversely affect protein function. In summary, the available evidence is currently insufficient to determine the role of this variant in disease. Therefore, it has been classified as a Variant of Uncertain Significance.

Baylor Genetics
Classification: Uncertain significance for Endometrial carcinoma. Last evaluated: 2023-05-02. Review status: criteria provided, single submitter. Criteria: ACMG Guidelines, 2015. Collection method: clinical testing. Allele origin: unknown.